The following is an entry in ClinVar:

NM_000518.5(HBB):c.-75G>C

Genes: HBB (hemoglobin subunit beta; minus strand), LOC106099062 (HBB recombination region; plus strand), LOC107133510 (origin of replication at HBB; plus strand). Cytogenetic location: 11p15.4.
Variant type: single nucleotide variant.
Coding change: c.-75G>C on transcript NM_000518.5 (MANE Select); 75 bases upstream of the start codon, G replaced by C.
Genome position (GRCh38, 1-based): chr11:5,227,096, C>G on the plus strand (G>C on the coding strand, the complement: HBB is on the minus strand). VCF-style: chr11-5227096-C-G. GRCh37 (hg19) VCF-style: chr11-5248326-C-G.
Other names: -25 (G>C).
Identifiers: ClinVar variation 36294 (VCV000036294.17), dbSNP rs63750400, ClinGen allele CA342847.

ClinVar aggregate classification (germline): Uncertain significance. Review status: reviewed by expert panel (3 of 4 stars). 7 submissions from 7 submitters: Uncertain significance (1). 6 of the submissions do not count toward it. Last evaluated 2026-04-30.

Conditions:
Hb SS disease (SCD). Also called: Hemoglobin SS; Sickle cell anemia; Sickle cell disease; HbS disease; Hemoglobin S Disease; Sickling disorder due to hemoglobin S. Identifiers: Orphanet 232, Orphanet 275752, MedGen C0002895, MONDO:0011382, OMIM 603903.
Heinz body anemia. Also called: Heinz body hemolytic anemia. Identifiers: Orphanet 178330, MedGen C0700299, MONDO:0007705, OMIM 140700, HP:0005511.
Dominant beta-thalassemia. Also called: Beta-thalassemia, dominant inclusion body type. Identifiers: Orphanet 231226, Orphanet 848, MedGen C1858990, MONDO:0011381, OMIM 603902.
Beta-thalassemia HBB/LCRB. Identifiers: MedGen CN322236, MONDO:0013517, OMIM 613985.
Erythrocytosis, familial, 6. Also called: POLYCYTHEMIA, BETA-GLOBIN TYPE; ERYTHROCYTOSIS, BETA-GLOBIN TYPE. Identifiers: MedGen C4693822, MONDO:0054801, OMIM 617980.
METHEMOGLOBINEMIA, BETA TYPE. Also called: Methemoglobinemia, beta-globin type. Identifiers: MedGen C1840779, OMIM 617971.
Malaria, susceptibility to. Identifiers: Orphanet 673, MedGen C1970028, MONDO:0021024, OMIM 611162.
Hereditary persistence of fetal hemoglobin. Identifiers: MedGen C0019025, MONDO:0020989, OMIM 141749.
HBB-related disorder. Also called: HBB-related disorders; HBB-related condition. Identifiers: MedGen CN239378.
beta Thalassemia (BTHAL). Also called: Cooley's anemia; Erythroblastic anemia; Mediterranean anemia. Identifiers: Orphanet 848, MedGen C0005283, MONDO:0019402. Disease mechanism: loss of function.

Allele frequency attached by ClinVar (database versions not stated): gnomAD 0.00003; TOPMed 0.00004.

Submissions (7):

ClinGen Hemoglobinopathy Variant Curation Expert Panel, ClinGen
Classification: Uncertain significance for Beta-thalassemia HBB/LCRB. Last evaluated: 2026-04-30. Review status: reviewed by expert panel. Criteria: ClinGen Hb Opathy ACMG Specifications HBB V1.0.0. Collection method: curation. Allele origin: germline. Inheritance: Autosomal recessive inheritance.
Comment: NM_000518.5(HBB):c.-75G>C is located near the conserved ATAA box (-31 to -28 relative to cap site) of the HBB gene promoter. The minor allele frequency in gnomAD v4.1 is 0.00001553 (16/1030100 alleles), which is lower than the ClinGen Hemoglobinopathy VCEP threshold <0.0001 for PM2_Supporting, and therefore meets this criterion [PM2_P]. The variant has been detected in one infant with the sickle (βS) variant [HBB:c.20A>T], phase unknown, presenting with 82% Hb F, 13% Hb S and 5% Hb A [PMID: 17486493]. Due to insufficient evidence, this variant meets criteria to be classified as a variant of uncertain significance (VUS) for recessive beta-thalassemia HBB/LCRB (MONDO:0013517) based on the ACMG/AMP criteria applied, as specified by the ClinGen Hemoglobinopathy VECP (specification version 1.0.0): PM2_P

Women's Health and Genetics/Laboratory Corporation of America, LabCorp
Classification: Uncertain significance. Last evaluated: 2025-05-22. Review status: criteria provided, single submitter. Criteria: LabCorp Variant Classification Summary - May 2015. Collection method: clinical testing. Allele origin: germline. Not counted in ClinVar's aggregate classification.
Comment: Variant summary: HBB c.-75G>C is located in the untranscribed region upstream of the HBB gene region. Consensus agreement among computation tools predict no significant impact on normal splicing. However, these predictions have yet to be confirmed by functional studies. The variant was absent in 249250 control chromosomes. The available data on variant occurrences in the general population are insufficient to allow any conclusion about variant significance. c.-75G>C has been observed in at least one individual with newborn screening results consistent with Hb S/beta+ thalassemia (Eng_2007). These data do not allow any conclusion about variant significance. At least one publication reports experimental evidence evaluating an impact on protein function. These results showed no damaging effect of this variant (Kircher_2019). The following publications have been ascertained in the context of this evaluation (PMID: 17486493, 21250885, 31395865). ClinVar contains an entry for this variant (Variation ID: 36294). Based on the evidence outlined above, the variant was classified as VUS-possibly benign.

Quest Diagnostics Nichols Institute San Juan Capistrano
Classification: Likely pathogenic. Last evaluated: 2025-04-14. Review status: criteria provided, single submitter. Criteria: Quest Diagnostics criteria. Collection method: clinical testing. Allele origin: unknown. Not counted in ClinVar's aggregate classification.
Comment: The HBB c.-75G>C variant (also known as -25 (G>C)) is a G>C change in the promoter of the beta-globin gene, 25 nucleotides upstream of the transcription initiation site near the conserved TATA box (PMIDs: 21423179 (2011) and 21250885 (2011)). In the published literature, this variant was identified in a newborn with a hemoglobin profile consistent with Hb S/beta(+)-thalassemia (thal) (Hbs FSA) (PMID: 17486493 (2007)). An experimental study using massively parallel reporter assays showed that the c.-75G>C variant had no significant effect on HBB promoter activity. However, further studies are required to accurately measure the effect of this variant on the beta-globin protein function (PMID: 31395865 (2019)). The frequency of this variant in the general population (Genome Aggregation Database) is consistent with pathogenicity. Based on the available information, this variant is classified as likely pathogenic.

Fulgent Genetics
Classification: Uncertain significance for Heinz body anemia; Hereditary persistence of fetal hemoglobin; Dominant beta-thalassemia; Hb SS disease; Malaria, susceptibility to; Beta-thalassemia HBB/LCRB; METHEMOGLOBINEMIA, BETA TYPE; Erythrocytosis, familial, 6. Last evaluated: 2024-04-11. Review status: criteria provided, single submitter. Criteria: ACMG Guidelines, 2015. Collection method: clinical testing. Allele origin: germline. Not counted in ClinVar's aggregate classification.

PreventionGenetics, part of Exact Sciences
Classification: Uncertain significance for HBB-related condition. Last evaluated: 2023-11-21. Review status: no assertion criteria provided. Collection method: clinical testing. Allele origin: germline. Not counted in ClinVar's aggregate classification.
Comment: The HBB c.-75G>C variant is located in the 5' untranslated region. This variant was reported in an individual with newborn screening results consistent with Hb S/beta+ thalassemia; that patient was also found to carry an Hb S allele (Patient #1 in Eng et al. 2007. PubMed ID: 17486493). In a study of promoter function, the c.-75G>C variant was reported to exhibit similar promoter activity to wild-type (Supplementary Table 10 in Kircher et al. 2019. PubMed ID: 31395865). Other variants at this location (c.-75G>A, c.-75G>T) and numerous other variants nearby have been reported in patients with beta-thalassemia (Human Gene Mutation Database). This variant is reported in 0.011% of alleles in individuals of African descent in gnomAD. In ClinVar, it is reported with conflicting interpretations including uncertain, likely pathogenic and pathogenic. At this time, the clinical significance of this variant is uncertain due to the absence of conclusive functional and genetic evidence.

The ITHANET community portal, The Cyprus Institute of Neurology and Genetics
Classification: Pathogenic for beta Thalassemia. Last evaluated: 2019-11-25. Review status: no assertion criteria provided. Collection method: curation. Allele origin: germline. Not counted in ClinVar's aggregate classification.

Counsyl
Classification: Uncertain significance for Beta-thalassemia HBB/LCRB. Last evaluated: 2017-12-28. Review status: no assertion criteria provided. Collection method: clinical testing. Allele origin: unknown. Not counted in ClinVar's aggregate classification.

Literature cited by the submitters: PubMed 17486493 (cited by 4 submitters); PubMed 21250885 (cited by Women's Health and Genetics/Laboratory Corporation of America, LabCorp and Quest Diagnostics Nichols Institute San Juan Capistrano); PubMed 31395865 (cited by Women's Health and Genetics/Laboratory Corporation of America, LabCorp and Quest Diagnostics Nichols Institute San Juan Capistrano); PubMed 25657036 (cited by Quest Diagnostics Nichols Institute San Juan Capistrano); PubMed 21423179 (cited by Quest Diagnostics Nichols Institute San Juan Capistrano).